The following is an entry in ClinVar:

NM_020791.4(TAOK1):c.307C>T (p.Leu103Phe)

Gene: TAOK1 (TAO kinase 1; plus strand). Cytogenetic location: 17q11.2.
Variant type: single nucleotide variant.
Coding change: c.307C>T on transcript NM_020791.4 (MANE Select); coding-DNA position 307, C replaced by T.
Protein change: p.Leu103Phe; replaces leucine 103 with phenylalanine.
Molecular consequence: missense variant.
Genome position (GRCh38, 1-based): chr17:29,477,661, C>T. VCF-style: chr17-29477661-C-T. GRCh37 (hg19) VCF-style: chr17-27804679-C-T.
Other names: c.307C>T, p.Leu103Phe (NM_025142.1); short protein forms L103F.
Identifiers: ClinVar variation 3369765 (VCV003369765.1).

ClinVar aggregate classification (germline): Uncertain significance (1 of 4 stars; one submission).

gnomAD v4.1: 30 of 1,379,690 alleles (0.0022%); highest among the groups gnomAD compares: Non-Finnish European, 0.0027%; no homozygotes.

Submission:

GeneDx
Classification: Uncertain significance. Last evaluated: 2024-02-28. Review status: criteria provided, single submitter. Criteria: GeneDx Variant Classification Process June 2021. Collection method: clinical testing. Allele origin: germline. Affected: yes.
Comment: Not observed at significant frequency in large population cohorts (gnomAD); In silico analysis supports that this missense variant has a deleterious effect on protein structure/function; Has not been previously published as pathogenic or benign to our knowledge